The following is an entry in ClinVar:

NM_000258.3(MYL3):c.229G>A (p.Gly77Arg)

Gene: MYL3 (myosin light chain 3; minus strand). Cytogenetic location: 3p21.31.
Variant type: single nucleotide variant.
Coding change: c.229G>A on transcript NM_000258.3 (MANE Select); coding-DNA position 229, G replaced by A.
Protein change: p.Gly77Arg; replaces glycine 77 with arginine.
Molecular consequence: missense variant.
Genome position (GRCh38, 1-based): chr3:46,860,754, C>T on the plus strand (G>A on the coding strand, the complement: MYL3 is on the minus strand). VCF-style: chr3-46860754-C-T. GRCh37 (hg19) VCF-style: chr3-46902244-C-T.
Other names: short protein forms G77R.
Identifiers: ClinVar variation 629011 (VCV000629011.6), dbSNP rs1559520411, ClinGen allele CA352498267.
Genomic context (GRCh38, chr3:46,860,754, plus strand): 5'-CCAGGACACGGAGCACTTCTGCCTGTGTGGGGTTCTGGCCCAGCGCCCGCAGGACATCCC[C>T]ACACTGCCCGTAGGTGATCTTCATCTCACACTTGGGTGTGCGGTCGAACAGCATGAAGGC-3'
Protein context (NP_000249.1, residues 67-87): CEMKITYGQC[Gly77Arg]DVLRALGQNP

ClinVar aggregate classification (germline): Uncertain significance (1 of 4 stars; one submission).

Conditions:
Cardiomyopathy (CMYO). Also called: Cardiomyopathies. Identifiers: Orphanet 167848, MedGen C0878544, MONDO:0004994, HP:0001638. Inheritance: Various modes of inheritance.

Submission:

Color Diagnostics, LLC DBA Color Health
Classification: Uncertain significance for Cardiomyopathy. Last evaluated: 2023-12-05. Review status: criteria provided, single submitter. Criteria: ACMG Guidelines, 2015. Collection method: clinical testing. Allele origin: germline.
Comment: Variant of Uncertain Significance due to insufficient evidence: This missense variant is located in the EF-hand domain of the MYL3 protein. Computational prediction tools and conservation analyses suggest that this variant may impact the protein function. Computational splicing tools suggest that this variant may not impact the RNA splicing. To our knowledge, functional assays have not been performed for this variant nor has this variant been reported in individuals affected with cardiovascular disorders in the literature. This variant is rare in the general population and has been identified in 0/277264 chromosomes by the Genome Aggregation Database (gnomAD). Available evidence is insufficient to determine the pathogenicity of this variant conclusively.